The following is an entry in ClinVar:

ClinVar aggregate classification (germline): Likely pathogenic (1 of 4 stars; one submission).

Conditions:
Autosomal recessive polycystic kidney disease (ARPKD). Also called: AR polycystic kidney disease. Identifiers: Orphanet 731, Orphanet 8378, MedGen C0085548, MeSH D017044, MONDO:0009889.

gnomAD v4.1: 2 of 1,546,472 alleles (0.00013%); highest among the groups gnomAD compares: East Asian, 0.0023%; no homozygotes.

Submission:

Labcorp Genetics (formerly Invitae), Labcorp
Classification: Likely pathogenic for Autosomal recessive polycystic kidney disease. Last evaluated: 2022-07-06. Review status: criteria provided, single submitter. Criteria: Invitae Variant Classification Sherloc (09022015). Collection method: clinical testing. Allele origin: germline.
Comment: Algorithms developed to predict the effect of sequence changes on RNA splicing suggest that this variant may disrupt the consensus splice site. In summary, the currently available evidence indicates that the variant is pathogenic, but additional data are needed to prove that conclusively. Therefore, this variant has been classified as Likely Pathogenic. This sequence change affects an acceptor splice site in intron 54 of the PKHD1 gene. It is expected to disrupt RNA splicing. Variants that disrupt the donor or acceptor splice site typically lead to a loss of protein function (PMID: 16199547), and loss-of-function variants in PKHD1 are known to be pathogenic (PMID: 19940839). The frequency data for this variant in the population databases is considered unreliable, as metrics indicate poor data quality at this position in the gnomAD database. Disruption of this splice site has been observed in individual(s) with renal abnormalities (PMID: 34008892).

Literature cited by the submitters: PubMed 16199547; PubMed 19940839; PubMed 34008892.

NM_138694.4(PKHD1):c.8555-1G>A

Gene: PKHD1 (PKHD1 ciliary IPT domain containing fibrocystin/polyductin; minus strand). Cytogenetic location: 6p12.3.
Variant type: single nucleotide variant.
Coding change: c.8555-1G>A on transcript NM_138694.4 (MANE Select); the canonical splice acceptor site of the intron before coding-DNA position 8555, G replaced by A.
Molecular consequence: splice acceptor variant.
Genome position (GRCh38, 1-based): chr6:51,772,790, C>T on the plus strand (G>A on the coding strand, the complement: PKHD1 is on the minus strand). VCF-style: chr6-51772790-C-T. GRCh37 (hg19) VCF-style: chr6-51637588-C-T.
Other names: c.8555-1G>A (NM_170724.3).
Identifiers: ClinVar variation 2014786 (VCV002014786.4), dbSNP rs1191618494, ClinGen allele CA364435813.